The following is an entry in ClinVar:

NM_001006658.3(CR2):c.2266C>G (p.Gln756Glu)

Gene: CR2 (complement C3d receptor 2; plus strand). Cytogenetic location: 1q32.2.
Variant type: single nucleotide variant.
Coding change: c.2266C>G on transcript NM_001006658.3 (MANE Select); coding-DNA position 2266, C replaced by G.
Protein change: p.Gln756Glu; replaces glutamine 756 with glutamic acid.
Molecular consequence: missense variant.
Genome position (GRCh38, 1-based): chr1:207,474,266, C>G. VCF-style: chr1-207474266-C-G. GRCh37 (hg19) VCF-style: chr1-207647611-C-G.
Other names: c.2089C>G, p.Gln697Glu (NM_001877.5); c.2266C>G (NM_001006658.2); short protein forms Q697E, Q756E.
Identifiers: ClinVar variation 1045929 (VCV001045929.9), dbSNP rs779357644, ClinGen allele CA1368942.

ClinVar aggregate classification (germline): Uncertain significance. Review status: criteria provided, multiple submitters, no conflicts (2 of 4 stars). 2 submissions from 2 submitters: Uncertain significance (2). Last evaluated 2025-08-07.

Conditions:
Inborn genetic diseases. Identifiers: MedGen C0950123, MeSH D030342.
Immunodeficiency, common variable, 7. Identifiers: Orphanet 1572, Orphanet 696894, MedGen C3542922, MONDO:0013862, OMIM 614699.

Allele frequency attached by ClinVar (database versions not stated): gnomAD 0.00001; ExAC 0.00002; TOPMed 0.00001; gnomAD exomes 0.00002 and below 0.00001.
gnomAD v4.1: 6 of 1,613,162 alleles (0.00037%); highest among the groups gnomAD compares: East Asian, 0.013%; no homozygotes.

Submissions (2):

Ambry Genetics
Classification: Uncertain significance for Inborn genetic diseases. Last evaluated: 2025-08-07. Review status: criteria provided, single submitter. Criteria: Ambry Variant Classification Scheme 2023. Collection method: clinical testing. Allele origin: germline.

Labcorp Genetics (formerly Invitae), Labcorp
Classification: Uncertain significance for Immunodeficiency, common variable, 7. Last evaluated: 2024-02-16. Review status: criteria provided, single submitter. Criteria: Invitae Variant Classification Sherloc (09022015). Collection method: clinical testing. Allele origin: germline.
Comment: This sequence change replaces glutamine, which is neutral and polar, with glutamic acid, which is acidic and polar, at codon 756 of the CR2 protein (p.Gln756Glu). This variant is present in population databases (rs779357644, gnomAD 0.03%). This variant has not been reported in the literature in individuals affected with CR2-related conditions. ClinVar contains an entry for this variant (Variation ID: 1045929). Algorithms developed to predict the effect of missense changes on protein structure and function output the following: SIFT: "Not Available"; PolyPhen-2: "Benign"; Align-GVGD: "Not Available". The glutamic acid amino acid residue is found in multiple mammalian species, which suggests that this missense change does not adversely affect protein function. In summary, the available evidence is currently insufficient to determine the role of this variant in disease. Therefore, it has been classified as a Variant of Uncertain Significance.